The following is an entry in ClinVar:

NM_000443.4(ABCB4):c.2563C>T (p.Gln855Ter)

Gene: ABCB4 (ATP binding cassette subfamily B member 4; minus strand). Cytogenetic location: 7q21.12.
Variant type: single nucleotide variant.
Coding change: c.2563C>T on transcript NM_000443.4 (MANE Select); coding-DNA position 2563, C replaced by T.
Protein change: p.Gln855Ter; replaces glutamine 855 with a stop codon.
Molecular consequence: nonsense.
Genome position (GRCh38, 1-based): chr7:87,417,431, G>A on the plus strand (C>T on the coding strand, the complement: ABCB4 is on the minus strand). VCF-style: chr7-87417431-G-A. GRCh37 (hg19) VCF-style: chr7-87046747-G-A.
Other names: c.2563C>T, p.Gln855Ter (NM_018849.3, NM_018850.3); short protein forms Q855*.
Identifiers: ClinVar variation 4846592 (VCV004846592.1).

ClinVar aggregate classification (germline): Pathogenic (1 of 4 stars; one submission).

Conditions:
Familial intrahepatic cholestasis. Identifiers: Orphanet 284385, MedGen CN296401, MONDO:0017290.

Submission:

Genomenon, Inc
Classification: Pathogenic for Familial intrahepatic cholestasis. Last evaluated: 2026-04-14. Review status: criteria provided, single submitter. Criteria: Genomenon Sequence Variant Interpretation Standards - Updated. Collection method: curation. Allele origin: germline. Affected: yes.
Comment: ABCB4 p.Gln855Ter (c.2563C>T) is a nonsense variant that introduces a premature stop codon at amino acid position 855, creating a truncated protein that is predicted to undergo nonsense-mediated mRNA decay. This variant has been observed in at least one proband with an ABCB4-related disorder (PMID:29304564;22669981). The variant was found to segregate with disease in at least one affected family (PMID:29304564). It is absent or not present at a significant frequency in gnomAD. In conclusion, we classify ABCB4 p.Gln855Ter (c.2563C>T) as a pathogenic variant.

Literature cited by the submitters: PubMed 29304564; PubMed 22669981.